The following is an entry in ClinVar:

ClinVar aggregate classification (germline): Likely benign. Review status: criteria provided, multiple submitters, no conflicts (2 of 4 stars). 3 submissions from 3 submitters: Likely benign (2). 1 of the submissions does not count toward it. Last evaluated 2024-02-24.

Conditions:
Kabuki syndrome 1 (KABUK1). Also called: KMT2D-Related Kabuki Syndrome. Identifiers: Orphanet 2322, MedGen CN030661, MONDO:0007843, OMIM 147920.
KMT2D-related disorder. Also called: KMT2D-Related Disorders.
Kabuki syndrome. Also called: NIIKAWA-KUROKI SYNDROME; Kabuki make-up syndrome. Identifiers: Orphanet 2322, MedGen C0796004, MONDO:0016512.

Allele frequency attached by ClinVar (database versions not stated): ExAC 0.00002; gnomAD exomes 0.00002 and 0.00003; gnomAD 0.00003 and 0.00004; TOPMed 0.00007.
gnomAD v4.1: 47 of 1,612,034 alleles (0.0029%); highest among the groups gnomAD compares: Admixed American, 0.0067%; no homozygotes.

Submissions (3):

Labcorp Genetics (formerly Invitae), Labcorp
Classification: Likely benign for Kabuki syndrome. Last evaluated: 2024-02-24. Review status: criteria provided, single submitter. Criteria: Invitae Variant Classification Sherloc (09022015). Collection method: clinical testing. Allele origin: germline.

Fulgent Genetics
Classification: Likely benign for Kabuki syndrome 1. Last evaluated: 2021-12-15. Review status: criteria provided, single submitter. Criteria: ACMG Guidelines, 2015. Collection method: clinical testing. Allele origin: unknown.

PreventionGenetics, part of Exact Sciences
Classification: Likely benign for KMT2D-related condition. Last evaluated: 2022-09-12. Review status: no assertion criteria provided. Collection method: clinical testing. Allele origin: germline. Not counted in ClinVar's aggregate classification.
Comment: This variant is classified as likely benign based on ACMG/AMP sequence variant interpretation guidelines (Richards et al. 2015 PMID: 25741868, with internal and published modifications).

NM_003482.4(KMT2D):c.14574G>A (p.Lys4858=)

Gene: KMT2D (lysine methyltransferase 2D; minus strand). Cytogenetic location: 12q13.12.
Variant type: single nucleotide variant.
Coding change: c.14574G>A on transcript NM_003482.4 (MANE Select); coding-DNA position 14574, G replaced by A.
Protein change: p.Lys4858=; no amino-acid change (lysine 4858 retained).
Molecular consequence: synonymous variant.
Genome position (GRCh38, 1-based): chr12:49,027,872, C>T on the plus strand (G>A on the coding strand, the complement: KMT2D is on the minus strand). VCF-style: chr12-49027872-C-T. GRCh37 (hg19) VCF-style: chr12-49421655-C-T.
Other names: c.14574G>A (NM_003482.3).
Identifiers: ClinVar variation 1605311 (VCV001605311.11), dbSNP rs562830182, ClinGen allele CA6545711.